The following is an entry in ClinVar:

NM_000784.4(CYP27A1):c.1210T>C (p.Ser404Pro)

Gene: CYP27A1 (cytochrome P450 family 27 subfamily A member 1; plus strand). Cytogenetic location: 2q35.
Variant type: single nucleotide variant.
Coding change: c.1210T>C on transcript NM_000784.4 (MANE Select); coding-DNA position 1210, T replaced by C.
Protein change: p.Ser404Pro; replaces serine 404 with proline.
Molecular consequence: missense variant.
Genome position (GRCh38, 1-based): chr2:218,814,405, T>C. VCF-style: chr2-218814405-T-C. GRCh37 (hg19) VCF-style: chr2-219679128-T-C.
Other names: short protein forms S404P.
Identifiers: ClinVar variation 2114844 (VCV002114844.1), dbSNP rs2470229456, ClinGen allele CA350593130.
Genomic context (GRCh38, chr2:218,814,405, plus strand): 5'-TCCAGAGCAGACTCCAGACATTCTTTTCCCTGCAGTCTCTACCCTGTGGTCCCCACAAAC[T>C]CCCGGATCATAGAAAAGGAAATTGAAGTTGATGGCTTCCTCTTCCCCAAGAACGTGAGTG-3'
Protein context (NP_000775.1, residues 394-414): LRLYPVVPTN[Ser404Pro]RIIEKEIEVD

ClinVar aggregate classification (germline): Uncertain significance (1 of 4 stars; one submission).

Conditions:
Cholestanol storage disease (CTX). Also called: CEREBRAL CHOLESTERINOSIS; CTX: Cerebrotendinous xanthomatosis; Cerebrotendinous Xanthomatosis. Identifiers: Orphanet 909, MedGen C0238052, MONDO:0008948, OMIM 213700.

Submission:

Labcorp Genetics (formerly Invitae), Labcorp
Classification: Uncertain significance for Cholestanol storage disease. Last evaluated: 2022-08-09. Review status: criteria provided, single submitter. Criteria: Invitae Variant Classification Sherloc (09022015). Collection method: clinical testing. Allele origin: germline.
Comment: This sequence change replaces serine, which is neutral and polar, with proline, which is neutral and non-polar, at codon 404 of the CYP27A1 protein (p.Ser404Pro). This variant is not present in population databases (gnomAD no frequency). This variant has not been reported in the literature in individuals affected with CYP27A1-related conditions. Advanced modeling of protein sequence and biophysical properties (such as structural, functional, and spatial information, amino acid conservation, physicochemical variation, residue mobility, and thermodynamic stability) performed at Invitae indicates that this missense variant is not expected to disrupt CYP27A1 protein function. In summary, the available evidence is currently insufficient to determine the role of this variant in disease. Therefore, it has been classified as a Variant of Uncertain Significance.